The following is an entry in ClinVar:

ClinVar aggregate classification (germline): Uncertain significance. Review status: criteria provided, multiple submitters, no conflicts (2 of 4 stars). 2 submissions from 2 submitters: Uncertain significance (2). Last evaluated 2024-11-30.

Conditions:
Hereditary cancer-predisposing syndrome. Also called: Hereditary neoplastic syndrome; Tumor predisposition; Neoplastic Syndromes, Hereditary; Hereditary Cancer Syndrome. Identifiers: Orphanet 140162, MedGen C0027672, MeSH D009386, MONDO:0015356.
Neuroblastoma, susceptibility to, 3. Also called: ALK-Related Neuroblastic Tumor Susceptibility. Identifiers: Orphanet 635, MedGen C2751681, MONDO:0013083, OMIM 613014.

Submissions (2):

Ambry Genetics
Classification: Uncertain significance for Hereditary cancer-predisposing syndrome. Last evaluated: 2024-11-30. Review status: criteria provided, single submitter. Criteria: Ambry Variant Classification Scheme 2023. Collection method: clinical testing. Allele origin: germline.
Comment: The p.Y1401D variant (also known as c.4201T>G), located in coding exon 29 of the ALK gene, results from a T to G substitution at nucleotide position 4201. The tyrosine at codon 1401 is replaced by aspartic acid, an amino acid with highly dissimilar properties. This amino acid position is conserved. In addition, this alteration is predicted to be deleterious by in silico analysis. Based on the available evidence, the clinical significance of this variant remains unclear.

Labcorp Genetics (formerly Invitae), Labcorp
Classification: Uncertain significance for Neuroblastoma, susceptibility to, 3. Last evaluated: 2024-04-01. Review status: criteria provided, single submitter. Criteria: Invitae Variant Classification Sherloc (09022015). Collection method: clinical testing. Allele origin: germline.
Comment: This sequence change replaces tyrosine, which is neutral and polar, with aspartic acid, which is acidic and polar, at codon 1401 of the ALK protein (p.Tyr1401Asp). This variant is not present in population databases (gnomAD no frequency). This variant has not been reported in the literature in individuals affected with ALK-related conditions. ClinVar contains an entry for this variant (Variation ID: 949011). An algorithm developed to predict the effect of missense changes on protein structure and function (PolyPhen-2) suggests that this variant is likely to be disruptive. In summary, the available evidence is currently insufficient to determine the role of this variant in disease. Therefore, it has been classified as a Variant of Uncertain Significance.

NM_004304.5(ALK):c.4201T>G (p.Tyr1401Asp)

Gene: ALK (ALK receptor tyrosine kinase; minus strand). Cytogenetic location: 2p23.2.
Variant type: single nucleotide variant.
Coding change: c.4201T>G on transcript NM_004304.5 (MANE Select); coding-DNA position 4201, T replaced by G.
Protein change: p.Tyr1401Asp; replaces tyrosine 1401 with aspartic acid.
Molecular consequence: missense variant.
Genome position (GRCh38, 1-based): chr2:29,193,886, A>C on the plus strand (T>G on the coding strand, the complement: ALK is on the minus strand). VCF-style: chr2-29193886-A-C. GRCh37 (hg19) VCF-style: chr2-29416752-A-C.
Other names: c.997T>G, p.Tyr333Asp (NM_001353765.2); short protein forms Y333D, Y1401D.
Identifiers: ClinVar variation 949011 (VCV000949011.10), dbSNP rs549395816, ClinGen allele CA346463342.